The following is an entry in ClinVar:

ClinVar aggregate classification (germline): Likely pathogenic (1 of 4 stars; one submission).

Conditions:
X-linked intellectual disability, Cantagrel type (XLID98). Also called: INTELLECTUAL DEVELOPMENTAL DISORDER, X-LINKED 98. Identifiers: Orphanet 85277, MedGen C3806730, MONDO:0010483, OMIM 300912.

Submission:

3billion
Classification: Likely pathogenic for X-linked intellectual disability, Cantagrel type. Last evaluated: 2024-08-28. Review status: criteria provided, single submitter. Criteria: ACMG Guidelines, 2015. Collection method: clinical testing. Allele origin: germline. Affected: yes.
Comment: The variant is not observed in the gnomAD v4.0.0 dataset. Predicted Consequence/Location: Stop-gained (nonsense): predicted to result in a loss or disruption of normal protein function through nonsense-mediated decay (NMD) or protein truncation. Multiple pathogenic variants are reported downstream of the variant. Therefore, this variant is classified as Likely pathogenic according to the recommendation of ACMG/AMP guideline.

NM_001008537.3(NEXMIF):c.2185A>T (p.Lys729Ter)

Gene: NEXMIF (neurite extension and migration factor; minus strand). Cytogenetic location: Xq13.3.
Variant type: single nucleotide variant.
Coding change: c.2185A>T on transcript NM_001008537.3 (MANE Select); coding-DNA position 2185, A replaced by T.
Protein change: p.Lys729Ter; replaces lysine 729 with a stop codon.
Molecular consequence: nonsense.
Genome position (GRCh38, 1-based): chrX:74,742,372, T>A on the plus strand (A>T on the coding strand, the complement: NEXMIF is on the minus strand). VCF-style: chrX-74742372-T-A. GRCh37 (hg19) VCF-style: chrX-73962207-T-A.
Other names: short protein forms K729*.
Identifiers: ClinVar variation 4293186 (VCV004293186.1).